The following is an entry in ClinVar:

NM_000862.3(HSD3B1):c.235A>G (p.Ile79Val)

Gene: HSD3B1 (hydroxy-delta-5-steroid dehydrogenase, 3 beta- and steroid delta-isomerase 1; plus strand). Cytogenetic location: 1p12.
Variant type: single nucleotide variant.
Coding change: c.235A>G on transcript NM_000862.3 (MANE Select); coding-DNA position 235, A replaced by G.
Protein change: p.Ile79Val; replaces isoleucine 79 with valine.
Molecular consequence: missense variant.
Genome position (GRCh38, 1-based): chr1:119,511,592, A>G. VCF-style: chr1-119511592-A-G. GRCh37 (hg19) VCF-style: chr1-120054215-A-G.
Other names: c.235A>G, p.Ile79Val (NM_001328615.1); short protein forms I79V.
Identifiers: ClinVar variation 1222205 (VCV001222205.4), dbSNP rs6201, ClinGen allele CA1036303.
Genomic context (GRCh38, chr1:119,511,592, plus strand): 5'-CTGGAAGGAGACATTCTGGATGAGCCATTCCTGAAGAGAGCCTGCCAGGACGTCTCGGTC[A>G]TCATCCACACCGCCTGTATCATTGATGTCTTCGGTGTCACTCACAGAGAGTCTATCATGA-3'
Protein context (NP_000853.1, residues 69-89): LKRACQDVSV[Ile79Val]IHTACIIDVF

ClinVar aggregate classification (germline): Benign. Review status: criteria provided, multiple submitters, no conflicts (2 of 4 stars). 2 submissions from 2 submitters: Benign (2). Last evaluated 2018-07-13.

Allele frequency attached by ClinVar (database versions not stated): gnomAD exomes 0.01647 and 0.04260; ExAC 0.04825; gnomAD 0.10140 and 0.10588; ESP Exome Variant Server 0.10918; TOPMed 0.11605; 1000 Genomes Project 0.13658; 1000 Genomes Project 30x 0.14444.
gnomAD v4.1: 40,485 of 1,613,244 alleles (2.5%); highest among the groups gnomAD compares: African/African-American, 34%; 4,875 homozygotes.

Submissions (2):

GeneDx
Classification: Benign. Last evaluated: 2018-07-13. Review status: criteria provided, single submitter. Criteria: GeneDx Variant Classification Process June 2021. Collection method: clinical testing. Allele origin: germline. Affected: yes.
Comment: This variant is associated with the following publications: (PMID: 25363768)

Breakthrough Genomics
Classification: Benign. Review status: criteria provided, single submitter. Criteria: ACMG Guidelines, 2015. Collection method: not provided. Allele origin: germline. Inheritance: Unknown mechanism. Affected: yes.